The following is an entry in ClinVar:

ClinVar aggregate classification (germline): Uncertain significance (0 of 4 stars; one submission).

Conditions:
PALLD-related disorder. Also called: PALLD-related condition.

gnomAD v4.1: 4 of 1,613,930 alleles (0.00025%); highest among the groups gnomAD compares: Non-Finnish European, 0.00034%; no homozygotes.

Submission:

PreventionGenetics, part of Exact Sciences
Classification: Uncertain significance for PALLD-related condition. Last evaluated: 2024-07-24. Review status: no assertion criteria provided. Collection method: clinical testing. Allele origin: germline.
Comment: The PALLD c.1935G>T variant is predicted to result in the amino acid substitution p.Glu645Asp. To our knowledge, this variant has not been reported in the literature. This variant is reported in 0.0027% of alleles in individuals of European (Non-Finnish) descent in gnomAD. At this time, the clinical significance of this variant is uncertain due to the absence of conclusive functional and genetic evidence.

NM_001166108.2(PALLD):c.1935G>T (p.Glu645Asp)

Gene: PALLD (palladin, cytoskeletal associated protein; plus strand). Cytogenetic location: 4q32.3.
Variant type: single nucleotide variant.
Coding change: c.1935G>T on transcript NM_001166108.2 (MANE Select); coding-DNA position 1935, G replaced by T.
Protein change: p.Glu645Asp; replaces glutamic acid 645 with aspartic acid.
Molecular consequence: missense variant.
Genome position (GRCh38, 1-based): chr4:168,711,894, G>T. VCF-style: chr4-168711894-G-T. GRCh37 (hg19) VCF-style: chr4-169633045-G-T.
Other names: c.789G>T, p.Glu263Asp (NM_001166109.2); c.1935G>T, p.Glu645Asp (NM_016081.4); short protein forms E263D, E645D.
Identifiers: ClinVar variation 3346829 (VCV003346829.1).